The following is an entry in ClinVar:

NM_000404.4(GLB1):c.1010T>A (p.Leu337Gln)

Gene: GLB1 (galactosidase beta 1; minus strand). Cytogenetic location: 3p22.3.
Variant type: single nucleotide variant.
Coding change: c.1010T>A on transcript NM_000404.4 (MANE Select); coding-DNA position 1010, T replaced by A.
Protein change: p.Leu337Gln; replaces leucine 337 with glutamine.
Molecular consequence: missense variant.
Genome position (GRCh38, 1-based): chr3:33,046,178, A>T on the plus strand (T>A on the coding strand, the complement: GLB1 is on the minus strand). VCF-style: chr3-33046178-A-T. GRCh37 (hg19) VCF-style: chr3-33087670-A-T.
Other names: c.920T>A, p.Leu307Gln (NM_001079811.3); c.617T>A, p.Leu206Gln (NM_001135602.3); c.1154T>A, p.Leu385Gln (NM_001317040.2); c.1010T>A, p.Leu337Gln (NM_001393580.1); short protein forms L206Q, L307Q, L337Q, L385Q.
Identifiers: ClinVar variation 3896480 (VCV003896480.2).
Genomic context (GRCh38, chr3:33,046,178, plus strand): 5'-ACCTTCTGGATGATGTTTCGCAGAGCAAAATACTTCTCAGTGAGGTCCCCAGCCTCACTC[A>T]GTGGGGCATCATAGTCGTAGCTGGTGGGCTGTGCTGCATAGGGTGAGTTGGCCCCTAGAA-3'
Protein context (NP_000395.3, residues 327-347): QPTSYDYDAP[Leu337Gln]SEAGDLTEKY

ClinVar aggregate classification (germline): Uncertain significance (1 of 4 stars; one submission).

Submission:

Women's Health and Genetics/Laboratory Corporation of America, LabCorp
Classification: Uncertain significance. Last evaluated: 2025-04-04. Review status: criteria provided, single submitter. Criteria: LabCorp Variant Classification Summary - May 2015. Collection method: clinical testing. Allele origin: germline.
Comment: Variant summary: GLB1 c.1010T>A (p.Leu337Gln) results in a non-conservative amino acid change in the encoded protein sequence. Five of five in-silico tools predict a damaging effect of the variant on protein function. The variant was absent in 249536 control chromosomes. The available data on variant occurrences in the general population are insufficient to allow any conclusion about variant significance. To our knowledge, no occurrence of c.1010T>A in individuals affected with Mucopolysaccharidosis Type IVB (Morquio Syndrome B) and no experimental evidence demonstrating its impact on protein function have been reported. A different variant affecting the same codon has been classified as pathogenic by our lab (c.1010T>C, p.Leu337Pro), supporting the critical relevance of codon 337 to GLB1 protein function. No submitters have cited clinical-significance assessments for this variant to ClinVar. Based on the evidence outlined above, the variant was classified as uncertain significance.